The following is an entry in ClinVar:

ClinVar aggregate classification (germline): Uncertain significance. Review status: criteria provided, multiple submitters, no conflicts (2 of 4 stars). 3 submissions from 3 submitters: Uncertain significance (3). Last evaluated 2025-08-07.

Conditions:
Hereditary cancer-predisposing syndrome. Also called: Neoplastic Syndromes, Hereditary; Hereditary Cancer Syndrome; Hereditary neoplastic syndrome; Tumor predisposition. Identifiers: Orphanet 140162, MedGen C0027672, MeSH D009386, MONDO:0015356.

Allele frequency attached by ClinVar (database versions not stated): TOPMed below 0.00001; gnomAD 0.00001 and below 0.00001; gnomAD exomes 0.00001.
gnomAD v4.1: 8 of 1,613,926 alleles (0.0005%); highest among the groups gnomAD compares: South Asian, 0.0044%; no homozygotes.

Submissions (3):

Labcorp Genetics (formerly Invitae), Labcorp
Classification: Uncertain significance. Last evaluated: 2025-08-07. Review status: criteria provided, single submitter. Criteria: Invitae Variant Classification Sherloc (09022015). Collection method: clinical testing. Allele origin: germline.
Comment: This sequence change replaces cysteine, which is neutral and slightly polar, with tyrosine, which is neutral and polar, at codon 600 of the POLE protein (p.Cys600Tyr). This variant is not present in population databases (gnomAD no frequency). This variant has not been reported in the literature in individuals affected with POLE-related conditions. ClinVar contains an entry for this variant (Variation ID: 566484). Invitae Evidence Modeling of protein sequence and biophysical properties (such as structural, functional, and spatial information, amino acid conservation, physicochemical variation, residue mobility, and thermodynamic stability) indicates that this missense variant is not expected to disrupt POLE protein function with a negative predictive value of 80%. In summary, the available evidence is currently insufficient to determine the role of this variant in disease. Therefore, it has been classified as a Variant of Uncertain Significance.

Ambry Genetics
Classification: Uncertain significance for Hereditary cancer-predisposing syndrome. Last evaluated: 2025-01-09. Review status: criteria provided, single submitter. Criteria: Ambry Variant Classification Scheme 2023. Collection method: clinical testing. Allele origin: germline.
Comment: The p.C600Y variant (also known as c.1799G>A), located in coding exon 17 of the POLE gene, results from a G to A substitution at nucleotide position 1799. The cysteine at codon 600 is replaced by tyrosine, an amino acid with highly dissimilar properties. This amino acid position is highly conserved in available vertebrate species. In addition, the in silico prediction for this alteration is inconclusive. Based on the available evidence, the clinical significance of this variant remains unclear.

GeneDx
Classification: Uncertain significance. Last evaluated: 2023-03-27. Review status: criteria provided, single submitter. Criteria: GeneDx Variant Classification Process June 2021. Collection method: clinical testing. Allele origin: germline.
Comment: Not observed at significant frequency in large population cohorts (gnomAD); In silico analysis supports that this missense variant has a deleterious effect on protein structure/function; Has not been previously published as pathogenic or benign to our knowledge

NM_006231.4(POLE):c.1799G>A (p.Cys600Tyr)

Gene: POLE (DNA polymerase epsilon, catalytic subunit; minus strand). Cytogenetic location: 12q24.33.
Variant type: single nucleotide variant.
Coding change: c.1799G>A on transcript NM_006231.4 (MANE Select); coding-DNA position 1799, G replaced by A.
Protein change: p.Cys600Tyr; replaces cysteine 600 with tyrosine.
Molecular consequence: missense variant.
Genome position (GRCh38, 1-based): chr12:132,668,935, C>T on the plus strand (G>A on the coding strand, the complement: POLE is on the minus strand). VCF-style: chr12-132668935-C-T. GRCh37 (hg19) VCF-style: chr12-133245521-C-T.
Other names: short protein forms C600Y.
Identifiers: ClinVar variation 566484 (VCV000566484.10), dbSNP rs1565966836, ClinGen allele CA387355643.